The following is an entry in ClinVar:

NM_007294.4(BRCA1):c.5153-25C>T

Gene: BRCA1 (BRCA1 DNA repair associated; minus strand). Cytogenetic location: 17q21.31.
Variant type: single nucleotide variant.
Coding change: c.5153-25C>T on transcript NM_007294.4 (MANE Select); 25 bases into the intron before coding-DNA position 5153, C replaced by T.
Molecular consequence: intron variant.
Genome position (GRCh38, 1-based): chr17:43,063,398, G>A on the plus strand (C>T on the coding strand, the complement: BRCA1 is on the minus strand). VCF-style: chr17-43063398-G-A. GRCh37 (hg19) VCF-style: chr17-41215415-G-A.
Other names: c.1718-25C>T (NM_001408433.1, NM_001408441.1, NM_001408437.1 and 10 more transcripts); c.5021-25C>T (NM_001407690.1, NM_001407691.1); c.5024-25C>T (NM_001407687.1, NM_001407941.1, NM_001407683.1 and 6 more transcripts); c.5027-25C>T (NM_001407673.1, NM_001407674.1, NM_001407939.1 and 10 more transcripts); c.1838-25C>T (NM_001408400.1, NM_001408392.1, NM_001408397.1 and 8 more transcripts); c.1841-25C>T (NM_001407986.1, NM_001407979.1, NM_001407982.1 and 12 more transcripts); c.1907-25C>T (NM_001407972.1); c.5147-25C>T (NM_001407630.1, NM_001407633.1, NM_001407642.1 and 14 more transcripts); and 72 more.
Identifiers: ClinVar variation 868731 (VCV000868731.3), dbSNP rs1458162596, ClinGen allele CA916080101.

Conditions:
Breast-ovarian cancer, familial, susceptibility to, 1 (BROVCA1). Also called: BRCA1 Hereditary Breast and Ovarian Cancer; OVARIAN CANCER, SUSCEPTIBILITY TO. Identifiers: Orphanet 145, MedGen C2676676, MONDO:0011450, OMIM 604370. Disease mechanism: loss of function.

Allele frequency attached by ClinVar (database versions not stated): TOPMed 0.00001.

Submission:

Brotman Baty Institute, University of Washington
No classification provided (evidence only). Condition: Breast-ovarian cancer, familial 1. Review status: no classification provided. Collection method: in vitro. Allele origin: not applicable. Functional consequence: function_uncertain_variant.
ClinVar note: "not provided" was previously submitted as the classification for the variant. However, the classification appeared to be based only on an observation of functional data so it was converted to no classification on 2025-07-30.